The following is an entry in ClinVar:

NM_005343.4(HRAS):c.-18G>A

Genes: HRAS (HRas proto-oncogene, GTPase; minus strand), LRRC56 (leucine rich repeat containing 56; plus strand). Cytogenetic location: 11p15.5.
Variant type: single nucleotide variant.
Coding change: c.-18G>A on transcript NM_005343.4 (MANE Select); 18 bases upstream of the start codon, G replaced by A.
Molecular consequence: 5 prime UTR variant. On other transcripts: intron variant (2).
Genome position (GRCh38, 1-based): chr11:534,340, C>T on the plus strand (G>A on the coding strand, the complement: HRAS is on the minus strand). VCF-style: chr11-534340-C-T. GRCh37 (hg19) VCF-style: chr11-534340-C-T.
Other names: c.-18G>A (NM_001130442.3, NM_176795.5); c.-337G>A (NM_001318054.2); c.-161-5240C>T (NM_001441284.1, NM_001441286.1).
Identifiers: ClinVar variation 4537295 (VCV004537295.1).

ClinVar aggregate classification (germline): Uncertain significance (1 of 4 stars; one submission).

gnomAD v4.1: 5 of 1,593,976 alleles (0.00031%); highest among the groups gnomAD compares: Admixed American, 0.0033%; no homozygotes.

Submission:

Women's Health and Genetics/Laboratory Corporation of America, LabCorp
Classification: Uncertain significance. Last evaluated: 2025-11-19. Review status: criteria provided, single submitter. Criteria: LabCorp Variant Classification Summary - May 2015. Collection method: clinical testing. Allele origin: germline.
Comment: Variant summary: HRAS c.-18G>A is located in the untranslated mRNA region upstream of the initiation codon. The variant allele was found at a frequency of 4.1e-06 in 241372 control chromosomes. The available data on variant occurrences in the general population are insufficient to allow any conclusion about variant significance. To our knowledge, no occurrence of c.-18G>A in individuals affected with HRAS-related conditions and no experimental evidence demonstrating its impact on protein function have been reported. No submitters have cited clinical-significance assessments for this variant to ClinVar. Based on the evidence outlined above, the variant was classified as uncertain significance.